The following is an entry in ClinVar:

NM_002439.5(MSH3):c.1145A>G (p.Lys382Arg)

Gene: MSH3 (mutS homolog 3; plus strand). Cytogenetic location: 5q14.1.
Variant type: single nucleotide variant.
Coding change: c.1145A>G on transcript NM_002439.5 (MANE Select); coding-DNA position 1145, A replaced by G.
Protein change: p.Lys382Arg; replaces lysine 382 with arginine.
Molecular consequence: missense variant.
Genome position (GRCh38, 1-based): chr5:80,675,100, A>G. VCF-style: chr5-80675100-A-G. GRCh37 (hg19) VCF-style: chr5-79970919-A-G.
Other names: short protein forms K382R.
Identifiers: ClinVar variation 2817258 (VCV002817258.3), dbSNP rs1561438094, ClinGen allele CA360268272.

ClinVar aggregate classification (germline): Uncertain significance (1 of 4 stars; one submission).

Submission:

Labcorp Genetics (formerly Invitae), Labcorp
Classification: Uncertain significance. Last evaluated: 2023-03-30. Review status: criteria provided, single submitter. Criteria: Invitae Variant Classification Sherloc (09022015). Collection method: clinical testing. Allele origin: germline.
Comment: This variant is not present in population databases (gnomAD no frequency). In summary, the available evidence is currently insufficient to determine the role of this variant in disease. Therefore, it has been classified as a Variant of Uncertain Significance. Algorithms developed to predict the effect of missense changes on protein structure and function output the following: SIFT: "Not Available"; PolyPhen-2: "Benign"; Align-GVGD: "Not Available". The arginine amino acid residue is found in multiple mammalian species, which suggests that this missense change does not adversely affect protein function. This variant has not been reported in the literature in individuals affected with MSH3-related conditions. This sequence change replaces lysine, which is basic and polar, with arginine, which is basic and polar, at codon 382 of the MSH3 protein (p.Lys382Arg).